The following is an entry in ClinVar:

NM_005378.6(MYCN):c.430G>A (p.Gly144Ser)

Gene: MYCN (MYCN proto-oncogene, bHLH transcription factor; plus strand). Cytogenetic location: 2p24.3.
Variant type: single nucleotide variant.
Coding change: c.430G>A on transcript NM_005378.6 (MANE Select); coding-DNA position 430, G replaced by A.
Protein change: p.Gly144Ser; replaces glycine 144 with serine.
Molecular consequence: missense variant. On other transcripts: 3 prime UTR variant (1), intron variant (1).
Genome position (GRCh38, 1-based): chr2:15,942,494, G>A. VCF-style: chr2-15942494-G-A. GRCh37 (hg19) VCF-style: chr2-16082616-G-A.
Other names: c.430G>A, p.Gly144Ser (NM_001293228.2); c.*365G>A (NM_001293233.2); c.157+1751G>A (NM_001293231.2); short protein forms G144S.
Identifiers: ClinVar variation 2637006 (VCV002637006.3), dbSNP rs1317627800, ClinGen allele CA345930865.
Genomic context (GRCh38, chr2:15,942,494, plus strand): 5'-GAGAAGCTGGAGCGCGCCGTGAGCGAGAAGCTGCAGCACGGCCGCGGGCCGCCAACCGCC[G>A]GTTCCACCGCCCAGTCCCCGGGAGCCGGCGCCGCCAGCCCTGCGGGTCGCGGGCACGGCG-3'
Protein context (NP_005369.2, residues 134-154): LQHGRGPPTA[Gly144Ser]STAQSPGAGA

ClinVar aggregate classification (germline): Uncertain significance (0 of 4 stars; one submission).

Conditions:
MYCN-related disorder. Also called: MYCN-related condition.

Allele frequency attached by ClinVar (database versions not stated): TOPMed below 0.00001; gnomAD 0.00001.

Submission:

PreventionGenetics, part of Exact Sciences
Classification: Uncertain significance for MYCN-related condition. Last evaluated: 2023-12-23. Review status: no assertion criteria provided. Collection method: clinical testing. Allele origin: germline.
Comment: The MYCN c.430G>A variant is predicted to result in the amino acid substitution p.Gly144Ser. To our knowledge, this variant has not been reported in the literature. This variant is reported in 0.0015% of alleles in individuals of European (Non-Finnish) descent in gnomAD. At this time, the clinical significance of this variant is uncertain due to the absence of conclusive functional and genetic evidence.